The following is an entry in ClinVar:

ClinVar aggregate classification (germline): Uncertain significance (1 of 4 stars; one submission).

Conditions:
Interstitial lung disease due to ABCA3 deficiency. Also called: PULMONARY ALVEOLAR PROTEINOSIS, CONGENITAL, 3. Identifiers: Orphanet 440402, MedGen C1970456, MONDO:0012582, OMIM 610921.

Submission:

Myriad Genetics, Inc.
Classification: Uncertain significance for Interstitial lung disease due to ABCA3 deficiency. Last evaluated: 2026-02-25. Review status: criteria provided, single submitter. Criteria: Myriad Autosomal Dominant, Autosomal Recessive and X-Linked Classification Criteria (2023). Collection method: clinical testing. Allele origin: unknown.
Comment: NM_001089.2(ABCA3):c.804_806delGCT(L269del) is an in-frame deletion classified as a variant of uncertain significance in the context of surfactant deficiency, ABCA3-related. L269del has not been observed in cases with relevant disease. Relevant functional assessments of this variant are not available in the literature. L269del has been observed in referenced population frequency databases. In summary, there is insufficient evidence to classify NM_001089.2(ABCA3):c.804_806delGCT(L269del) as pathogenic or benign. Please note: this variant was assessed in the context of healthy population screening.

NM_001089.3(ABCA3):c.795GCT[3] (p.Leu269del)

Gene: ABCA3 (ATP binding cassette subfamily A member 3; minus strand). Cytogenetic location: 16p13.3.
Variant type: Microsatellite.
Coding change: c.795GCT[3] on transcript NM_001089.3 (MANE Select); three copies in a row of the 3-base unit GCT starting at c.795; the reference has four copies in a row; one copy, 3 bases deleted.
Protein change: p.Leu269del; deletes leucine 269.
Molecular consequence: inframe deletion.
Genome position (GRCh38, 1-based): chr16:2,319,648-2,319,650, AGC deleted on the plus strand (GCT on the coding strand, the reverse complement: ABCA3 is on the minus strand); deleting any 3 consecutive bases within chr16:2,319,648-2,319,661 gives the same sequence; the position shown is the placement nearest the transcript's 3' end. VCF-style (leftmost placement, unchanged base first): chr16-2319647-GAGC-G. GRCh37 (hg19) VCF-style: chr16-2369648-GAGC-G.
Other names: short protein forms L269del.
Identifiers: ClinVar variation 5003990 (VCV005003990.1).